The following is an entry in ClinVar:

ClinVar aggregate classification (germline): Uncertain significance. Review status: criteria provided, multiple submitters, no conflicts (2 of 4 stars). 2 submissions from 2 submitters: Uncertain significance (2). Last evaluated 2025-01-13.

Conditions:
Spondylocostal dysostosis 3, autosomal recessive (SCDO3). Also called: LFNG-Related Spondylocostal Dysostosis, Autosomal Recessive. Identifiers: Orphanet 2311, MedGen C1853296, MONDO:0012349, OMIM 609813.

Allele frequency attached by ClinVar (database versions not stated): gnomAD exomes 0.00012; ExAC 0.00016; ESP Exome Variant Server 0.00023; 1000 Genomes Project 30x 0.00031; 1000 Genomes Project 0.00040; gnomAD 0.00043 and 0.00047; TOPMed 0.00051.
gnomAD v4.1: 131 of 1,612,614 alleles (0.0081%); highest among the groups gnomAD compares: African/African-American, 0.15%; 2 homozygotes.

Submissions (3):

Labcorp Genetics (formerly Invitae), Labcorp
Classification: Uncertain significance for Spondylocostal dysostosis 3, autosomal recessive. Last evaluated: 2025-01-13. Review status: criteria provided, single submitter. Criteria: Invitae Variant Classification Sherloc (09022015). Collection method: clinical testing. Allele origin: germline.
Comment: This sequence change falls in intron 2 of the LFNG gene. It does not directly change the encoded amino acid sequence of the LFNG protein. It affects a nucleotide within the consensus splice site. This variant is present in population databases (rs199745512, gnomAD 0.1%). This variant has not been reported in the literature in individuals affected with LFNG-related conditions. ClinVar contains an entry for this variant (Variation ID: 1513907). Variants that disrupt the consensus splice site are a relatively common cause of aberrant splicing (PMID: 17576681, 9536098). Algorithms developed to predict the effect of sequence changes on RNA splicing suggest that this variant is not likely to affect RNA splicing. In summary, the available evidence is currently insufficient to determine the role of this variant in disease. Therefore, it has been classified as a Variant of Uncertain Significance.

Revvity Omics, Revvity
Classification: Uncertain significance for Spondylocostal dysostosis 3, autosomal recessive. Last evaluated: 2021-11-30. Review status: criteria provided, single submitter. Criteria: ACMG Guidelines, 2015. Collection method: clinical testing. Allele origin: germline.

Dr. Peter K. Rogan Lab, Western University
No classification provided (evidence only). Condition: Colon adenocarcinoma. Review status: no classification provided. Collection method: in vitro. Allele origin: not applicable. Functional consequence: retained intron. Not counted in ClinVar's aggregate classification.

Literature cited by the submitters: PubMed 17576681 (cited by Labcorp Genetics (formerly Invitae), Labcorp); PubMed 9536098 (cited by Labcorp Genetics (formerly Invitae), Labcorp).

NM_001040167.2(LFNG):c.482-3C>T

Gene: LFNG (LFNG O-fucosylpeptide 3-beta-N-acetylglucosaminyltransferase; plus strand). Cytogenetic location: 7p22.3.
Variant type: single nucleotide variant.
Coding change: c.482-3C>T on transcript NM_001040167.2 (MANE Select); 3 bases into the intron before coding-DNA position 482, C replaced by T.
Molecular consequence: intron variant.
Genome position (GRCh38, 1-based): chr7:2,525,216, C>T. VCF-style: chr7-2525216-C-T. GRCh37 (hg19) VCF-style: chr7-2564850-C-T.
Other names: c.269-3C>T (NM_001166355.2); c.95-3C>T (NM_002304.3); c.482-3C>T (NM_001040168.2).
Identifiers: ClinVar variation 1513907 (VCV001513907.8), dbSNP rs199745512, ClinGen allele CA4126981.